The following is an entry in ClinVar:

ClinVar aggregate classification (germline): Likely benign. Review status: criteria provided, multiple submitters, no conflicts (2 of 4 stars). 3 submissions from 3 submitters: Likely benign (2). 1 of the submissions does not count toward it. Last evaluated 2025-11-16.

Conditions:
Immunodeficiency 104. Also called: SCID, AUTOSOMAL RECESSIVE, T CELL-NEGATIVE, B CELL-POSITIVE, NK CELL-POSITIVE; Severe combined immunodeficiency, autosomal recessive, T cell-negative, B cell-positive, NK cell-positive; Severe Combined Immune Deficiency, Autosomal Recessive, TCell -Negative, B Cell-Positive, NK Cell-Positive, IL7R-Related; IMMUNODEFICIENCY 104, SEVERE COMBINED. Identifiers: MedGen C5676890, MONDO:0012163, OMIM 608971.
IL7R-related disorder. Also called: IL7R-related condition.

Allele frequency attached by ClinVar (database versions not stated): gnomAD exomes 0.00002; ExAC 0.00005; 1000 Genomes Project 30x 0.00031; 1000 Genomes Project 0.00040.
gnomAD v4.1: 33 of 1,613,926 alleles (0.002%); highest among the groups gnomAD compares: African/African-American, 0.0053%; no homozygotes.

Submissions (3):

Labcorp Genetics (formerly Invitae), Labcorp
Classification: Likely benign for Immunodeficiency 104. Last evaluated: 2025-11-16. Review status: criteria provided, single submitter. Criteria: Invitae Variant Classification Sherloc (09022015). Collection method: clinical testing. Allele origin: germline.

Blueprint Genetics
Classification: Likely benign. Last evaluated: 2024-11-04. Review status: criteria provided, single submitter. Criteria: ACMG Guidelines, 2015. Collection method: clinical testing. Allele origin: germline.

PreventionGenetics, part of Exact Sciences
Classification: Likely benign for IL7R-related condition. Last evaluated: 2020-02-11. Review status: no assertion criteria provided. Collection method: clinical testing. Allele origin: germline. Not counted in ClinVar's aggregate classification.
Comment: This variant is classified as likely benign based on ACMG/AMP sequence variant interpretation guidelines (Richards et al. 2015 PMID: 25741868, with internal and published modifications).

NM_002185.5(IL7R):c.591G>A (p.Pro197=)

Gene: IL7R (interleukin 7 receptor; plus strand). Cytogenetic location: 5p13.2.
Variant type: single nucleotide variant.
Coding change: c.591G>A on transcript NM_002185.5 (MANE Select); coding-DNA position 591, G replaced by A.
Protein change: p.Pro197=; no amino-acid change (proline 197 retained).
Molecular consequence: synonymous variant.
Genome position (GRCh38, 1-based): chr5:35,873,533, G>A. VCF-style: chr5-35873533-G-A. GRCh37 (hg19) VCF-style: chr5-35873635-G-A.
Other names: c.591G>A, p.Pro197= (NM_001410734.1); c.591G>A (NM_002185.3).
Identifiers: ClinVar variation 2728177 (VCV002728177.6), dbSNP rs201431556, ClinGen allele CA3232032.